The following is an entry in ClinVar:

NM_024721.5(ZFHX4):c.954del (p.Ser319fs)

Gene: ZFHX4 (zinc finger homeobox 4; plus strand). Cytogenetic location: 8q21.13.
Variant type: Deletion.
Coding change: c.954del on transcript NM_024721.5 (MANE Select); coding-DNA position 954, one base deleted (C; older notation c.954delC).
Protein change: p.Ser319fs; shifts the reading frame from serine 319.
Molecular consequence: frameshift variant.
Genome position (GRCh38, 1-based): chr8:76,705,042, C deleted. VCF-style (leftmost placement, unchanged base first): chr8-76705041-TC-T. GRCh37 (hg19) VCF-style: chr8-77617276-TC-T.
Other names: c.954del, p.Ser319fs (NM_001410934.1); short protein forms S319fs.
Identifiers: ClinVar variation 3900309 (VCV003900309.1).

ClinVar aggregate classification (germline): Uncertain significance (1 of 4 stars; one submission).

Submission:

GeneDx
Classification: Uncertain significance. Last evaluated: 2023-12-10. Review status: criteria provided, single submitter. Criteria: GeneDx Variant Classification Process June 2021. Collection method: clinical testing. Allele origin: germline. Affected: yes.
Comment: Not observed at significant frequency in large population cohorts (gnomAD); Frameshift variant predicted to result in protein truncation or nonsense mediated decay in a gene or region of a gene for which loss of function is not a well-established mechanism of disease; Has not been previously published as pathogenic or benign to our knowledge; Variants in candidate genes are classified as variants of uncertain significance in accordance with ACMG guidelines (PMID: 25741868)